The following is an entry in ClinVar:

NC_000015.10:g.84817010C>A

Gene: ALPK3 (alpha kinase 3; plus strand). Cytogenetic location: 15q25.3.
Variant type: single nucleotide variant.
Genome position: GRCh38 VCF-style: chr15-84817010-C-A. GRCh37 (hg19) VCF-style: chr15-85360241-C-A.
Identifiers: ClinVar variation 2699214 (VCV002699214.4), dbSNP rs758275836, ClinGen allele CA393368353.

ClinVar aggregate classification (germline): Uncertain significance. Review status: criteria provided, multiple submitters, no conflicts (2 of 4 stars). 2 submissions from 2 submitters: Uncertain significance (2). Last evaluated 2026-09-07.

Conditions:
Cardiovascular phenotype. Identifiers: MedGen CN230736.

Submissions (2):

Ambry Genetics
Classification: Uncertain significance for Cardiovascular phenotype. Last evaluated: 2026-09-07. Review status: criteria provided, single submitter. Criteria: Ambry Variant Classification Scheme 2023. Collection method: clinical testing. Allele origin: germline.
Comment: The p.P55Q variant (also known as c.164C>A), located in coding exon 1 of the ALPK3 gene, results from a C to A substitution at nucleotide position 164. The proline at codon 55 is replaced by glutamine, an amino acid with similar properties. This amino acid position is conserved. In addition, this alteration is predicted to be tolerated by in silico analysis. Based on the available evidence, the clinical significance of this variant remains unclear.

Labcorp Genetics (formerly Invitae), Labcorp
Classification: Uncertain significance. Last evaluated: 2023-11-27. Review status: criteria provided, single submitter. Criteria: Invitae Variant Classification Sherloc (09022015). Collection method: clinical testing. Allele origin: germline.
Comment: This sequence change replaces proline, which is neutral and non-polar, with glutamine, which is neutral and polar, at codon 55 of the ALPK3 protein (p.Pro55Gln). The frequency data for this variant in the population databases is considered unreliable, as metrics indicate poor data quality at this position in the gnomAD database. This variant has not been reported in the literature in individuals affected with ALPK3-related conditions. An algorithm developed to predict the effect of missense changes on protein structure and function (PolyPhen-2) suggests that this variant is likely to be disruptive. In summary, the available evidence is currently insufficient to determine the role of this variant in disease. Therefore, it has been classified as a Variant of Uncertain Significance.